The following is an entry in ClinVar:

ClinVar aggregate classification (germline): Uncertain significance (1 of 4 stars; one submission).

Conditions:
DICER1-related tumor predisposition. Also called: DICER1-related pleuropulmonary blastoma cancer predisposition syndrome; DICER1 syndrome. Identifiers: Orphanet 284343, MedGen C3839822, MONDO:0100216.

Submission:

Labcorp Genetics (formerly Invitae), Labcorp
Classification: Uncertain significance for DICER1-related tumor predisposition. Last evaluated: 2024-04-29. Review status: criteria provided, single submitter. Criteria: Invitae Variant Classification Sherloc (09022015). Collection method: clinical testing. Allele origin: germline.
Comment: This sequence change replaces glycine, which is neutral and non-polar, with serine, which is neutral and polar, at codon 908 of the DICER1 protein (p.Gly908Ser). This variant is not present in population databases (gnomAD no frequency). This variant has not been reported in the literature in individuals affected with DICER1-related conditions. ClinVar contains an entry for this variant (Variation ID: 1474363). Advanced modeling of protein sequence and biophysical properties (such as structural, functional, and spatial information, amino acid conservation, physicochemical variation, residue mobility, and thermodynamic stability) performed at Invitae indicates that this missense variant is not expected to disrupt DICER1 protein function with a negative predictive value of 80%. In summary, the available evidence is currently insufficient to determine the role of this variant in disease. Therefore, it has been classified as a Variant of Uncertain Significance.

NM_177438.3(DICER1):c.2722G>A (p.Gly908Ser)

Gene: DICER1 (dicer 1, ribonuclease III; minus strand). Cytogenetic location: 14q32.13.
Variant type: single nucleotide variant.
Coding change: c.2722G>A on transcript NM_177438.3 (MANE Select); coding-DNA position 2722, G replaced by A.
Protein change: p.Gly908Ser; replaces glycine 908 with serine.
Molecular consequence: missense variant.
Genome position (GRCh38, 1-based): chr14:95,107,690, C>T on the plus strand (G>A on the coding strand, the complement: DICER1 is on the minus strand). VCF-style: chr14-95107690-C-T. GRCh37 (hg19) VCF-style: chr14-95574027-C-T.
Other names: c.2722G>A, p.Gly908Ser (NM_001195573.1, NM_001271282.3, NM_001291628.2 and 1 more transcripts); short protein forms G908S.
Identifiers: ClinVar variation 1474363 (VCV001474363.9), dbSNP rs2140019492, ClinGen allele CA390879584.